The following is an entry in ClinVar:

ClinVar aggregate classification (germline): Likely pathogenic (1 of 4 stars; one submission).

Conditions:
Cardiovascular phenotype. Identifiers: MedGen CN230736.

Submission:

Ambry Genetics
Classification: Likely pathogenic for Cardiovascular phenotype. Last evaluated: 2017-05-24. Review status: criteria provided, single submitter. Criteria: Ambry Variant Classification Scheme 2023. Collection method: clinical testing. Allele origin: germline.
Comment: The c.60989delT variant, located in coding exon 157 of the TTN gene, results from a deletion of one nucleotide at nucleotide position 60989, causing a translational frameshift with a predicted alternate stop codon (p.F20330Sfs*6). This exon is located in the A-band region of the N2-B isoform of the titin protein and is constitutively expressed in TTN transcripts (percent spliced in or PSI 100%). While truncating variants in TTN are present in 1-3% of the general population, truncating variants in the A-band are the most common cause of dilated cardiomyopathy (DCM) (Herman DS et al. N. Engl. J. Med. 2012 Feb;366:619-28; Roberts AM et al. Sci Transl Med. 2015 Jan; 7:270ra6). TTN truncating variants encoded in constitutive exons (PSI >90%) have been found to be significantly associated with DCM regardless of their position in titin (Schafer S et al. Nat. Genet. 2017 Jan 49:46-53). This alteration is expected to result in loss of function by premature protein truncation or nonsense-mediated mRNA decay. As such, this alteration is interpreted as likely pathogenic.

NM_001267550.2(TTN):c.88184del (p.Phe29395fs)

Genes: TTN-AS1 (TTN antisense RNA 1; plus strand), TTN (titin; minus strand). Cytogenetic location: 2q31.2.
Variant type: Deletion.
Coding change: c.88184del on transcript NM_001267550.2 (MANE Select); coding-DNA position 88184, one base deleted (T; older notation c.88184delT).
Protein change: p.Phe29395fs; shifts the reading frame from phenylalanine 29395.
Molecular consequence: frameshift variant.
Genome position (GRCh38, 1-based): chr2:178,556,970, A deleted on the plus strand (T on the coding strand, the reverse complement: TTN is on the minus strand); the first of 2 consecutive A bases (chr2:178,556,970-178,556,971); deleting either gives the same sequence. VCF-style (leftmost placement, unchanged base first): chr2-178556969-GA-G. GRCh37 (hg19) VCF-style: chr2-179421696-GA-G.
Other names: c.83261del, p.Phe27754fs (NM_001256850.1); c.60989del, p.Phe20330fs (NM_003319.4); c.80480del, p.Phe26827fs (NM_133378.4); c.61364del, p.Phe20455fs (NM_133432.3); c.61565del, p.Phe20522fs (NM_133437.4); c.60989delT (NM_003319.4); short protein forms F20455fs, F27754fs, F20330fs, F29395fs, F20522fs, F26827fs.
Identifiers: ClinVar variation 518628 (VCV000518628.5), dbSNP rs1553551651, ClinGen allele CA658795977.
Genomic context (GRCh38, chr2:178,556,969, plus strand): 5'-AGCATTCCTAGCAAAGACACGGAATTCATACTGGGAATTCTGAGTCAAGCCAGAGATGAT[GA>G]ATTGAGTTTCAGTAACATTGGTGAAGCTGGCCTTGGTCCATCTGCCATCTGGAAGGTCAC-3'